The following is an entry in ClinVar:

ClinVar aggregate classification (germline): Uncertain significance (1 of 4 stars; one submission).

Conditions:
Familial cancer of breast. Also called: hereditary breast carcinoma; Hereditary breast cancer; BREAST CANCER, FAMILIAL. Identifiers: Orphanet 227535, MedGen C0346153, MONDO:0016419, OMIM 114480. Disease mechanism: loss of function.

Submission:

Labcorp Genetics (formerly Invitae), Labcorp
Classification: Uncertain significance for Familial cancer of breast. Last evaluated: 2023-11-17. Review status: criteria provided, single submitter. Criteria: Invitae Variant Classification Sherloc (09022015). Collection method: clinical testing. Allele origin: germline.
Comment: This sequence change replaces arginine, which is basic and polar, with serine, which is neutral and polar, at codon 646 of the PALB2 protein (p.Arg646Ser). This variant is not present in population databases (gnomAD no frequency). This variant has not been reported in the literature in individuals affected with PALB2-related conditions. Advanced modeling of protein sequence and biophysical properties (such as structural, functional, and spatial information, amino acid conservation, physicochemical variation, residue mobility, and thermodynamic stability) performed at Invitae indicates that this missense variant is not expected to disrupt PALB2 protein function with a negative predictive value of 80%. In summary, the available evidence is currently insufficient to determine the role of this variant in disease. Therefore, it has been classified as a Variant of Uncertain Significance.

NM_024675.4(PALB2):c.1938A>C (p.Arg646Ser)

Gene: PALB2 (partner and localizer of BRCA2; minus strand). Cytogenetic location: 16p12.2.
Variant type: single nucleotide variant.
Coding change: c.1938A>C on transcript NM_024675.4 (MANE Select); coding-DNA position 1938, A replaced by C.
Protein change: p.Arg646Ser; replaces arginine 646 with serine.
Molecular consequence: missense variant. On other transcripts: intron variant (1).
Genome position (GRCh38, 1-based): chr16:23,630,216, T>G on the plus strand (A>C on the coding strand, the complement: PALB2 is on the minus strand). VCF-style: chr16-23630216-T-G. GRCh37 (hg19) VCF-style: chr16-23641537-T-G.
Other names: c.1053A>C, p.Arg351Ser (NM_001407306.1, NM_001407311.1, NM_001407307.1 and 5 more transcripts); c.150A>C, p.Arg50Ser (NM_001407312.1, NM_001407313.1); c.1878A>C, p.Arg626Ser (NM_001407296.1); c.1938A>C, p.Arg646Ser (NM_001407297.1, NM_001407298.1, NM_001407299.1 and 3 more transcripts); c.49-941A>C (NM_001407314.1); short protein forms R626S, R50S, R646S, R351S.
Identifiers: ClinVar variation 2696367 (VCV002696367.3), dbSNP rs2142385536, ClinGen allele CA395127445.